The following is an entry in ClinVar:

NM_021815.5(SLC5A7):c.1493C>G (p.Ala498Gly)

Gene: SLC5A7 (solute carrier family 5 member 7; plus strand). Cytogenetic location: 2q12.3.
Variant type: single nucleotide variant.
Coding change: c.1493C>G on transcript NM_021815.5 (MANE Select); coding-DNA position 1493, C replaced by G.
Protein change: p.Ala498Gly; replaces alanine 498 with glycine.
Molecular consequence: missense variant.
Genome position (GRCh38, 1-based): chr2:108,010,611, C>G. VCF-style: chr2-108010611-C-G. GRCh37 (hg19) VCF-style: chr2-108627067-C-G.
Other names: c.1493C>G, p.Ala498Gly (NM_001305005.3); c.1178C>G, p.Ala393Gly (NM_001305006.3); c.752C>G, p.Ala251Gly (NM_001305007.3); short protein forms A251G, A498G, A393G.
Identifiers: ClinVar variation 2045955 (VCV002045955.4), dbSNP rs942176560, ClinGen allele CA53969289.
Genomic context (GRCh38, chr2:108,010,611, plus strand): 5'-CATTTAAAACACTTGCCATGGTTACATCATTCTTAACCAACATTTGCATCTCCTATCTAG[C>G]CAAGTATCTATTTGAAAGTGGAACCTTGCCACCTAAATTAGATGTATTTGATGCTGTTGT-3'
Protein context (NP_068587.1, residues 488-508): FLTNICISYL[Ala498Gly]KYLFESGTLP

ClinVar aggregate classification (germline): Uncertain significance (1 of 4 stars; one submission).

Conditions:
Neuronopathy, distal hereditary motor, type 7A. Also called: SPINAL MUSCULAR ATROPHY, DISTAL, WITH VOCAL CORD PARALYSIS; Neuronopathy, distal hereditary motor, type viia; HARPER-YOUNG MYOPATHY; HMN VIIA; NEURONOPATHY, DISTAL HEREDITARY MOTOR, HARDING TYPE VIIA; NEUROPATHY, DISTAL HEREDITARY MOTOR, HARDING TYPE VIIA. Identifiers: Orphanet 139589, MedGen C1834703, MONDO:0008024, OMIM 158580.
Congenital myasthenic syndrome 20. Also called: Myasthenic syndrome, congenital, 20, presynaptic. Identifiers: MedGen C4310694, MONDO:0014939, OMIM 617143.

Submission:

Labcorp Genetics (formerly Invitae), Labcorp
Classification: Uncertain significance for Neuronopathy, distal hereditary motor, type 7A; Congenital myasthenic syndrome 20. Last evaluated: 2022-08-09. Review status: criteria provided, single submitter. Criteria: Invitae Variant Classification Sherloc (09022015). Collection method: clinical testing. Allele origin: germline.
Comment: In summary, the available evidence is currently insufficient to determine the role of this variant in disease. Therefore, it has been classified as a Variant of Uncertain Significance. Algorithms developed to predict the effect of sequence changes on RNA splicing suggest that this variant may create or strengthen a splice site. Algorithms developed to predict the effect of missense changes on protein structure and function are either unavailable or do not agree on the potential impact of this missense change (SIFT: "Deleterious"; PolyPhen-2: "Benign"; Align-GVGD: "Class C0"). This variant has not been reported in the literature in individuals affected with SLC5A7-related conditions. This variant is not present in population databases (gnomAD no frequency). This sequence change replaces alanine, which is neutral and non-polar, with glycine, which is neutral and non-polar, at codon 498 of the SLC5A7 protein (p.Ala498Gly).